The following is an entry in ClinVar:

ClinVar aggregate classification (germline): Likely benign. Review status: criteria provided, multiple submitters, no conflicts (2 of 4 stars). 2 submissions from 2 submitters: Likely benign (2). Last evaluated 2026-09-01.

Allele frequency attached by ClinVar (database versions not stated): 1000 Genomes Project 0.00020; ESP Exome Variant Server 0.00025; 1000 Genomes Project 30x 0.00031; ExAC 0.00053; gnomAD 0.00061; TOPMed 0.00079.
gnomAD v4.1: 1,255 of 1,612,496 alleles (0.078%); highest among the groups gnomAD compares: Admixed American, 0.18%; 1 homozygote.

Submissions (2):

CeGaT Center for Human Genetics Tuebingen
Classification: Likely benign. Last evaluated: 2026-09-01. Review status: criteria provided, single submitter. Criteria: CeGaT Center For Human Genetics Tuebingen Variant Classification Criteria Version 2. Collection method: clinical testing. Allele origin: germline. Affected: yes. Observed: 3 variant alleles.
Comment: ABCA2: BP4, BP7

Blueprint Genetics
Classification: Likely benign. Last evaluated: 2024-11-25. Review status: criteria provided, single submitter. Criteria: ACMG Guidelines, 2015. Collection method: clinical testing. Allele origin: germline.

NM_001606.5(ABCA2):c.5904C>T (p.Asn1968=)

Genes: ABCA2 (ATP binding cassette subfamily A member 2; minus strand), LOC126860796 (CDK7 strongly-dependent group 2 enhancer GRCh37_chr9:139904888-139906087; plus strand). Cytogenetic location: 9q34.3.
Variant type: single nucleotide variant.
Coding change: c.5904C>T on transcript NM_001606.5 (MANE Select); coding-DNA position 5904, C replaced by T.
Protein change: p.Asn1968=; no amino-acid change (asparagine 1968 retained).
Molecular consequence: synonymous variant.
Genome position (GRCh38, 1-based): chr9:137,011,205, G>A on the plus strand (C>T on the coding strand, the complement: ABCA2 is on the minus strand). VCF-style: chr9-137011205-G-A. GRCh37 (hg19) VCF-style: chr9-139905657-G-A.
Other names: c.5901C>T, p.Asn1967= (NM_001411042.1); c.5994C>T, p.Asn1998= (NM_212533.3).
Identifiers: ClinVar variation 2659768 (VCV002659768.25), dbSNP rs200564702, ClinGen allele CA5353836.